The following is an entry in ClinVar:

NC_000007.13:g.(?_45039923)_(45115656_?)del

Gene: CCM2 (CCM2 scaffold protein; plus strand). Cytogenetic location: 7p13.
Variant type: Deletion.
Identifiers: ClinVar variation 1256400 (VCV001256400.2).

ClinVar aggregate classification (germline): Pathogenic (1 of 4 stars; one submission).

Submission:

Athena Diagnostics
Classification: Pathogenic. Last evaluated: 2021-06-01. Review status: criteria provided, single submitter. Criteria: Athena Diagnostics Criteria. Collection method: clinical testing. Allele origin: unknown.
Comment: Large deletions involving some or all of the CCM2 gene have been reported in individuals presenting with cerebral cavernous malformations (CCMs; PMID: 17160895, 17211633). Similar deletions have not been reported in large, multi-ethnic general populations.

Literature cited by the submitters: PubMed 17211633; PubMed 17160895.